The following is an entry in ClinVar:

ClinVar aggregate classification (germline): Likely pathogenic (1 of 4 stars; one submission).

Conditions:
Dilated cardiomyopathy 1G (CMD1G). Identifiers: Orphanet 154, MedGen C1858763, MONDO:0011400, OMIM 604145.
Autosomal recessive limb-girdle muscular dystrophy type 2J (LGMDR10). Also called: Limb-girdle muscular dystrophy, type 2J; MUSCULAR DYSTROPHY, LIMB-GIRDLE, AUTOSOMAL RECESSIVE 10. Identifiers: Orphanet 140922, MedGen C1837342, MONDO:0012127, OMIM 608807.

Submission:

Labcorp Genetics (formerly Invitae), Labcorp
Classification: Likely pathogenic for Dilated cardiomyopathy 1G; Autosomal recessive limb-girdle muscular dystrophy type 2J. Last evaluated: 2021-08-26. Review status: criteria provided, single submitter. Criteria: Invitae Variant Classification Sherloc (09022015). Collection method: clinical testing. Allele origin: germline.
Comment: This sequence change creates a premature translational stop signal (p.Ala21252Glnfs*8) in the TTN gene. While this is not anticipated to result in nonsense mediated decay, it is expected to create a truncated TTN protein. This variant is not present in population databases (ExAC no frequency). This variant has not been reported in the literature in individuals affected with TTN-related conditions. This variant is located in the A band of TTN (PMID: 25589632). Truncating variants in this region are significantly overrepresented in patients affected with dilated cardiomyopathy (PMID: 25589632). Truncating variants in this region have also been reported in individuals affected with autosomal recessive centronuclear myopathy (PMID: 23975875). In summary, the currently available evidence indicates that the variant is pathogenic, but additional data are needed to prove that conclusively. Therefore, this variant has been classified as Likely Pathogenic.

Literature cited by the submitters: PubMed 25589632; PubMed 23975875.

NM_001267550.2(TTN):c.63754del (p.Ala21252fs)

Genes: TTN-AS1 (TTN antisense RNA 1; plus strand), TTN (titin; minus strand). Cytogenetic location: 2q31.2.
Variant type: Deletion.
Coding change: c.63754del on transcript NM_001267550.2 (MANE Select); coding-DNA position 63754, one base deleted (G; older notation c.63754delG).
Protein change: p.Ala21252fs; shifts the reading frame from alanine 21252.
Molecular consequence: frameshift variant.
Genome position (GRCh38, 1-based): chr2:178,587,555, C deleted on the plus strand (G on the coding strand, the reverse complement: TTN is on the minus strand). VCF-style (leftmost placement, unchanged base first): chr2-178587554-GC-G. GRCh37 (hg19) VCF-style: chr2-179452281-GC-G.
Other names: c.58831del, p.Ala19611fs (NM_001256850.1); c.36559del, p.Ala12187fs (NM_003319.4); c.56050del, p.Ala18684fs (NM_133378.4); c.36934del, p.Ala12312fs (NM_133432.3); c.37135del, p.Ala12379fs (NM_133437.4); short protein forms A12312fs, A18684fs, A21252fs, A12379fs, A19611fs, A12187fs.
Identifiers: ClinVar variation 1484690 (VCV001484690.6), dbSNP rs2154182312, ClinGen allele CA2573133741.